The following is an entry in ClinVar:

NM_017617.5(NOTCH1):c.1534T>C (p.Phe512Leu)

Gene: NOTCH1 (notch receptor 1; minus strand). Cytogenetic location: 9q34.3.
Variant type: single nucleotide variant.
Coding change: c.1534T>C on transcript NM_017617.5 (MANE Select); coding-DNA position 1534, T replaced by C.
Protein change: p.Phe512Leu; replaces phenylalanine 512 with leucine.
Molecular consequence: missense variant.
Genome position (GRCh38, 1-based): chr9:136,517,293, A>G on the plus strand (T>C on the coding strand, the complement: NOTCH1 is on the minus strand). VCF-style: chr9-136517293-A-G. GRCh37 (hg19) VCF-style: chr9-139411745-A-G.
Other names: short protein forms F512L.
Identifiers: ClinVar variation 1305588 (VCV001305588.3), dbSNP rs2133367368, ClinGen allele CA375562144.

ClinVar aggregate classification (germline): Uncertain significance (1 of 4 stars; one submission).

Submission:

GeneDx
Classification: Uncertain significance. Last evaluated: 2026-08-14. Review status: criteria provided, single submitter. Criteria: GeneDx Variant Classification Process June 2021. Collection method: clinical testing. Allele origin: germline.
Comment: Has not been previously published as pathogenic or benign to our knowledge; Not observed at significant frequency in large population cohorts (gnomAD); In silico analysis supports that this missense variant has a deleterious effect on protein structure/function